The following is an entry in ClinVar:

ClinVar aggregate classification (germline): Uncertain significance (1 of 4 stars; one submission).

Allele frequency attached by ClinVar (database versions not stated): gnomAD exomes below 0.00001; ExAC 0.00001.
gnomAD v4.1: 2 of 1,614,042 alleles (0.00012%); highest among the groups gnomAD compares: Non-Finnish European, 0.00017%; no homozygotes.

Submission:

Labcorp Genetics (formerly Invitae), Labcorp
Classification: Uncertain significance. Last evaluated: 2024-10-29. Review status: criteria provided, single submitter. Criteria: Invitae Variant Classification Sherloc (09022015). Collection method: clinical testing. Allele origin: germline.
Comment: This sequence change replaces serine, which is neutral and polar, with cysteine, which is neutral and slightly polar, at codon 128 of the PODXL protein (p.Ser128Cys). This variant is present in population databases (rs761250337, gnomAD 0.0009%). This variant has not been reported in the literature in individuals affected with PODXL-related conditions. ClinVar contains an entry for this variant (Variation ID: 2082390). An algorithm developed to predict the effect of missense changes on protein structure and function (PolyPhen-2) suggests that this variant is likely to be tolerated. In summary, the available evidence is currently insufficient to determine the role of this variant in disease. Therefore, it has been classified as a Variant of Uncertain Significance.

NM_001018111.3(PODXL):c.382A>T (p.Ser128Cys)

Gene: PODXL (podocalyxin like; minus strand). Cytogenetic location: 7q32.3.
Variant type: single nucleotide variant.
Coding change: c.382A>T on transcript NM_001018111.3 (MANE Select); coding-DNA position 382, A replaced by T.
Protein change: p.Ser128Cys; replaces serine 128 with cysteine.
Molecular consequence: missense variant.
Genome position (GRCh38, 1-based): chr7:131,511,152, T>A on the plus strand (A>T on the coding strand, the complement: PODXL is on the minus strand). VCF-style: chr7-131511152-T-A. GRCh37 (hg19) VCF-style: chr7-131195911-T-A.
Other names: c.382A>T, p.Ser128Cys (NM_005397.4); short protein forms S128C.
Identifiers: ClinVar variation 2082390 (VCV002082390.4), dbSNP rs761250337, ClinGen allele CA4488716.